The following is an entry in ClinVar:

NM_001127715.4(STXBP5):c.2182A>C (p.Lys728Gln)

Gene: STXBP5 (syntaxin binding protein 5; plus strand). Cytogenetic location: 6q24.3.
Variant type: single nucleotide variant.
Coding change: c.2182A>C on transcript NM_001127715.4 (MANE Select); coding-DNA position 2182, A replaced by C.
Protein change: p.Lys728Gln; replaces lysine 728 with glutamine.
Molecular consequence: missense variant. On other transcripts: intron variant (1).
Genome position (GRCh38, 1-based): chr6:147,339,214, A>C. VCF-style: chr6-147339214-A-C. GRCh37 (hg19) VCF-style: chr6-147660350-A-C.
Other names: c.2182A>C, p.Lys728Gln (NM_001394409.1); c.2146+4992A>C (NM_139244.6); short protein forms K728Q.
Identifiers: ClinVar variation 3348783 (VCV003348783.1).

ClinVar aggregate classification (germline): Uncertain significance (0 of 4 stars; one submission).

Conditions:
STXBP5-related disorder. Also called: STXBP5-related condition.

Submission:

PreventionGenetics, part of Exact Sciences
Classification: Uncertain significance for STXBP5-related condition. Last evaluated: 2024-03-21. Review status: no assertion criteria provided. Collection method: clinical testing. Allele origin: germline.
Comment: The STXBP5 c.2182A>C variant is predicted to result in the amino acid substitution p.Lys728Gln. To our knowledge, this variant has not been reported in the literature or in a large population database, indicating this variant is rare. At this time, the clinical significance of this variant is uncertain due to the absence of conclusive functional and genetic evidence.